The following is an entry in ClinVar:

ClinVar aggregate classification (germline): Uncertain significance (1 of 4 stars; one submission).

Submission:

Labcorp Genetics (formerly Invitae), Labcorp
Classification: Uncertain significance. Last evaluated: 2022-06-15. Review status: criteria provided, single submitter. Criteria: Invitae Variant Classification Sherloc (09022015). Collection method: clinical testing. Allele origin: germline.
Comment: This sequence change falls in intron 17 of the RARS2 gene. It does not directly change the encoded amino acid sequence of the RARS2 protein. This variant is present in population databases (no rsID available, gnomAD 0.003%). This variant has not been reported in the literature in individuals affected with RARS2-related conditions. Algorithms developed to predict the effect of sequence changes on RNA splicing suggest that this variant may disrupt the consensus splice site. In summary, the available evidence is currently insufficient to determine the role of this variant in disease. Therefore, it has been classified as a Variant of Uncertain Significance.

NM_020320.5(RARS2):c.1511+8_1511+10del

Gene: RARS2 (arginyl-tRNA synthetase 2, mitochondrial; minus strand). Cytogenetic location: 6q15.
Variant type: Deletion.
Coding change: c.1511+8_1511+10del on transcript NM_020320.5 (MANE Select); bases 8 to 10 of the intron after coding-DNA position 1511, 3 bases deleted (GTT; older notation c.1511+8_1511+10delGTT).
Molecular consequence: intron variant.
Genome position (GRCh38, 1-based): chr6:87,518,159-87,518,161, AAC deleted on the plus strand (GTT on the coding strand, the reverse complement: RARS2 is on the minus strand); deleting any 3 consecutive bases within chr6:87,518,159-87,518,162 gives the same sequence; the c. name uses the placement nearest the transcript's 3' end. VCF-style (leftmost placement, unchanged base first): chr6-87518158-AAAC-A. GRCh37 (hg19) VCF-style: chr6-88227876-AAAC-A.
Other names: c.1511+8_1511+10del (NM_001350505.2); c.986+8_986+10del (NM_001350509.2, NM_001318785.2, NM_001350506.2 and 4 more transcripts).
Identifiers: ClinVar variation 2007210 (VCV002007210.1), dbSNP rs1308800901, ClinGen allele CA568698250.
Genomic context (GRCh38, chr6:87,518,158, plus strand): 5'-GGGCAGCAAAAATGCTAATAGCCATTTTGATAAGCAGAAGCACACTTGATGATCCCTGGA[AAAC>A]ATCATACCTGAGAAGATGCTGAAGAATTGAAACAGACTGTGGCTCTTGTAAACAAGCAGT-3'